The following is an entry in ClinVar:

NM_000051.4(ATM):c.4114T>G (p.Leu1372Val)

Gene: ATM (ATM serine/threonine kinase; plus strand). Cytogenetic location: 11q22.3.
Variant type: single nucleotide variant.
Coding change: c.4114T>G on transcript NM_000051.4 (MANE Select); coding-DNA position 4114, T replaced by G.
Protein change: p.Leu1372Val; replaces leucine 1372 with valine.
Molecular consequence: missense variant.
Genome position (GRCh38, 1-based): chr11:108,288,981, T>G. VCF-style: chr11-108288981-T-G. GRCh37 (hg19) VCF-style: chr11-108159708-T-G.
Other names: c.4114T>G, p.Leu1372Val (NM_001351834.2); c.4114T>G (NM_000051.3); short protein forms L1372V.
Identifiers: ClinVar variation 1027243 (VCV001027243.16), dbSNP rs762242838, ClinGen allele CA382529731.

ClinVar aggregate classification (germline): Uncertain significance. Review status: criteria provided, multiple submitters, no conflicts (2 of 4 stars). 4 submissions from 4 submitters: Uncertain significance (3). 1 of the submissions does not count toward it. Last evaluated 2024-10-24.

Conditions:
Ataxia-telangiectasia syndrome (AT). Also called: ATAXIA-TELANGIECTASIA, FRESNO VARIANT; Ataxia-telangiectasia, complementation group D; AT, COMPLEMENTATION GROUP C; Cerebello-oculocutaneous telangiectasia; Immunodeficiency with ataxia telangiectasia; Ataxia telangiectasia (A-T). Identifiers: Orphanet 100, MedGen C0004135, MONDO:0008840, OMIM 208900.
Hereditary cancer-predisposing syndrome. Also called: Hereditary neoplastic syndrome; Neoplastic Syndromes, Hereditary; Tumor predisposition; Hereditary Cancer Syndrome. Identifiers: Orphanet 140162, MedGen C0027672, MeSH D009386, MONDO:0015356.

Submissions (4):

Labcorp Genetics (formerly Invitae), Labcorp
Classification: Uncertain significance for Ataxia-telangiectasia syndrome. Last evaluated: 2024-10-24. Review status: criteria provided, single submitter. Criteria: Invitae Variant Classification Sherloc (09022015). Collection method: clinical testing. Allele origin: germline.
Comment: This sequence change replaces leucine, which is neutral and non-polar, with valine, which is neutral and non-polar, at codon 1372 of the ATM protein (p.Leu1372Val). This variant is not present in population databases (gnomAD no frequency). This variant has not been reported in the literature in individuals affected with ATM-related conditions. ClinVar contains an entry for this variant (Variation ID: 1027243). Invitae Evidence Modeling of protein sequence and biophysical properties (such as structural, functional, and spatial information, amino acid conservation, physicochemical variation, residue mobility, and thermodynamic stability) indicates that this missense variant is not expected to disrupt ATM protein function with a negative predictive value of 95%. In summary, the available evidence is currently insufficient to determine the role of this variant in disease. Therefore, it has been classified as a Variant of Uncertain Significance.

Ambry Genetics
Classification: Uncertain significance for Hereditary cancer-predisposing syndrome. Last evaluated: 2022-10-04. Review status: criteria provided, single submitter. Criteria: Ambry Variant Classification Scheme 2023. Collection method: clinical testing. Allele origin: germline.
Comment: The p.L1372V variant (also known as c.4114T>G), located in coding exon 27 of the ATM gene, results from a T to G substitution at nucleotide position 4114. The leucine at codon 1372 is replaced by valine, an amino acid with highly similar properties. This amino acid position is conserved. In addition, this alteration is predicted to be tolerated by in silico analysis. Since supporting evidence is limited at this time, the clinical significance of this alteration remains unclear.

Mendelics
Classification: Uncertain significance. Last evaluated: 2022-05-04. Review status: criteria provided, single submitter. Criteria: Mendelics Assertion Criteria 2019. Collection method: clinical testing. Allele origin: germline.

Natera, Inc.
Classification: Uncertain significance for Ataxia-telangiectasia. Last evaluated: 2021-03-27. Review status: no assertion criteria provided. Collection method: clinical testing. Allele origin: germline. Not counted in ClinVar's aggregate classification.